The following is an entry in ClinVar:

NM_014043.4(CHMP2B):c.438TGA[1] (p.Asp148del)

Gene: CHMP2B (charged multivesicular body protein 2B; plus strand). Cytogenetic location: 3p11.2.
Variant type: Microsatellite.
Coding change: c.438TGA[1] on transcript NM_014043.4 (MANE Select); one copy of the 3-base unit TGA starting at c.438; the reference has two copies in a row; one copy, 3 bases deleted.
Protein change: p.Asp148del; deletes aspartic acid 148.
Molecular consequence: inframe deletion. On other transcripts: inframe indel (1).
Genome position (GRCh38, 1-based): chr3:87,253,420-87,253,422, TGA deleted; deleting any 3 consecutive bases within chr3:87,253,417-87,253,422 gives the same sequence; the position shown is the placement nearest the transcript's 3' end. VCF-style (leftmost placement, unchanged base first): chr3-87253416-TTGA-T. GRCh37 (hg19) VCF-style: chr3-87302566-TTGA-T.
Other names: c.315TGA[1], p.Asp107del (NM_001244644.2); c.534_536TGA[1], p.Asp180del (NM_001410777.1); short protein forms D107del, D148del, D180del.
Identifiers: ClinVar variation 2416817 (VCV002416817.8), dbSNP rs2471773791, ClinGen allele CA2580616503.

ClinVar aggregate classification (germline): Uncertain significance (1 of 4 stars; one submission).

Conditions:
Frontotemporal dementia and/or amyotrophic lateral sclerosis 7 (FTDALS7). Also called: AMYOTROPHIC LATERAL SCLEROSIS, CHMP2B-RELATED; Amyotrophic lateral sclerosis 17; CHMP2B-Related Frontotemporal Dementia-Amyotrophic Lateral Sclerosis; CHMP2B-related frontotemporal dementia. Identifiers: Orphanet 275864, Orphanet 282, Orphanet 803, MedGen C1833296, MONDO:0010936, OMIM 600795.

Submission:

Labcorp Genetics (formerly Invitae), Labcorp
Classification: Uncertain significance for Frontotemporal dementia and/or amyotrophic lateral sclerosis 7. Last evaluated: 2022-01-18. Review status: criteria provided, single submitter. Criteria: Invitae Variant Classification Sherloc (09022015). Collection method: clinical testing. Allele origin: germline.
Comment: This variant, c.441_443del, results in the deletion of 1 amino acid(s) of the CHMP2B protein (p.Asp148del), but otherwise preserves the integrity of the reading frame. This variant is not present in population databases (gnomAD no frequency). This variant has not been reported in the literature in individuals affected with CHMP2B-related conditions. Experimental studies and prediction algorithms are not available or were not evaluated, and the functional significance of this variant is currently unknown. In summary, the available evidence is currently insufficient to determine the role of this variant in disease. Therefore, it has been classified as a Variant of Uncertain Significance.